The following is an entry in ClinVar:

ClinVar aggregate classification (germline): Pathogenic (1 of 4 stars; one submission).

Conditions:
Short stature, rhizomelic, with microcephaly, micrognathia, and developmental delay (SSMG). Also called: SHORT STATURE-MICROGNATHIA SYNDROME. Identifiers: Orphanet 659702, MedGen C4310686, MONDO:0014948, OMIM 617164.

Submission:

Variantyx, Inc.
Classification: Pathogenic for Short stature, rhizomelic, with microcephaly, micrognathia, and developmental delay. Last evaluated: 2025-07-18. Review status: criteria provided, single submitter. Criteria: Variantyx Assertion Criteria 2022. Collection method: clinical testing. Allele origin: de novo. Inheritance: Autosomal dominant inheritance. Affected: yes.
Comment: This is a nonsense variant in the ARCN1 gene (OMIM: 600820). Pathogenic variants in this gene have been associated with autosomal dominant short stature-micrognathia syndrome. This variant has not been reported in individuals with ARCN1-related disorders in the databases available for review and it is absent from control populations (PM2). Thie alteration introduces a premature termination codon in exon 2 out of 10 and is expected to result in loss of function, which is a known disease mechanism for ARCN1 in this disorder (PMID: 27476655, 33154040, 31075182) (PVS1). Based on the current evidence, this variant is classified as pathogenic for autosomal dominant short stature-micrognathia syndrome.

Literature cited by the submitters: PubMed 27476655; PubMed 33154040; PubMed 31075182.

NM_001655.5(ARCN1):c.167dup (p.Tyr56Ter)

Gene: ARCN1 (archain 1 coat protein complex I subunit delta; plus strand). Cytogenetic location: 11q23.3.
Variant type: Duplication.
Coding change: c.167dup on transcript NM_001655.5 (MANE Select); coding-DNA position 167, one base duplicated (A; older notation c.167dupA).
Protein change: p.Tyr56Ter; replaces tyrosine 56 with a stop codon.
Molecular consequence: nonsense. On other transcripts: non-coding transcript variant (2), intron variant (3).
Genome position (GRCh38, 1-based): chr11:118,581,409, A duplicated. VCF-style (leftmost placement, unchanged base first): chr11-118581408-T-TA. GRCh37 (hg19) VCF-style: chr11-118452123-T-TA.
Other names: c.167dup, p.Tyr56Ter (NM_001425073.1, NM_001425074.1, NM_001425077.1 and 2 more transcripts); c.110dup, p.Tyr37Ter (NM_001425075.1); c.98dup, p.Tyr33Ter (NM_001425076.1); c.4-1770dup (NM_001142281.2, NM_001425081.1); c.4-2400dup (NM_001425080.1); short protein forms Y33*, Y37*, Y56*.
Identifiers: ClinVar variation 4850153 (VCV004850153.1).